The following is an entry in ClinVar:

ClinVar aggregate classification (germline): Uncertain significance (1 of 4 stars; one submission).

Submission:

Labcorp Genetics (formerly Invitae), Labcorp
Classification: Uncertain significance. Last evaluated: 2022-03-20. Review status: criteria provided, single submitter. Criteria: Invitae Variant Classification Sherloc (09022015). Collection method: clinical testing. Allele origin: germline.
Comment: This variant has not been reported in the literature in individuals affected with HMCN1-related conditions. This sequence change creates a premature translational stop signal (p.Val2542Alafs*24) in the HMCN1 gene. It is expected to result in an absent or disrupted protein product. However, the current clinical and genetic evidence is not sufficient to establish whether loss-of-function variants in HMCN1 cause disease. This variant is not present in population databases (gnomAD no frequency). In summary, the available evidence is currently insufficient to determine the role of this variant in disease. Therefore, it has been classified as a Variant of Uncertain Significance.

NM_031935.3(HMCN1):c.7625_7626del (p.Val2542fs)

Gene: HMCN1 (hemicentin 1; plus strand). Cytogenetic location: 1q31.1.
Variant type: Deletion.
Coding change: c.7625_7626del on transcript NM_031935.3 (MANE Select); coding-DNA positions 7625 to 7626, 2 bases deleted (TG; older notation c.7625_7626delTG).
Protein change: p.Val2542fs; shifts the reading frame from valine 2542.
Molecular consequence: frameshift variant.
Genome position (GRCh38, 1-based): chr1:186,065,349-186,065,350, TG deleted; deleting any 2 consecutive bases within chr1:186,065,348-186,065,350 gives the same sequence; the c. name uses the placement nearest the transcript's 3' end. VCF-style (leftmost placement, unchanged base first): chr1-186065347-GGT-G. GRCh37 (hg19) VCF-style: chr1-186034479-GGT-G.
Other names: short protein forms V2542fs.
Identifiers: ClinVar variation 2115253 (VCV002115253.4), dbSNP rs2527774974, ClinGen allele CA2580061716.